The following is an entry in ClinVar:

ClinVar aggregate classification (germline): Uncertain significance. Review status: criteria provided, multiple submitters, no conflicts (2 of 4 stars). 2 submissions from 2 submitters: Uncertain significance (2). Last evaluated 2025-07-07.

Conditions:
Inborn genetic diseases. Identifiers: MedGen C0950123, MeSH D030342.

Allele frequency attached by ClinVar (database versions not stated): gnomAD 0.00001; gnomAD exomes 0.00001; TOPMed 0.00002.
gnomAD v4.1: 11 of 1,613,836 alleles (0.00068%); highest among the groups gnomAD compares: African/African-American, 0.0053%; no homozygotes.

Submissions (2):

Labcorp Genetics (formerly Invitae), Labcorp
Classification: Uncertain significance. Last evaluated: 2025-07-07. Review status: criteria provided, single submitter. Criteria: Invitae Variant Classification Sherloc (09022015). Collection method: clinical testing. Allele origin: germline.
Comment: This sequence change replaces alanine, which is neutral and non-polar, with threonine, which is neutral and polar, at codon 838 of the CDH23 protein (p.Ala838Thr). This variant is not present in population databases (gnomAD no frequency). This variant has not been reported in the literature in individuals affected with CDH23-related conditions. ClinVar contains an entry for this variant (Variation ID: 1436329). Invitae Evidence Modeling of protein sequence and biophysical properties (such as structural, functional, and spatial information, amino acid conservation, physicochemical variation, residue mobility, and thermodynamic stability) has been performed for this missense variant. However, the output from this modeling did not meet the statistical confidence thresholds required to predict the impact of this variant on CDH23 protein function. In summary, the available evidence is currently insufficient to determine the role of this variant in disease. Therefore, it has been classified as a Variant of Uncertain Significance.

Ambry Genetics
Classification: Uncertain significance for Inborn genetic diseases. Last evaluated: 2022-07-21. Review status: criteria provided, single submitter. Criteria: Ambry Variant Classification Scheme 2023. Collection method: clinical testing. Allele origin: germline.

NM_022124.6(CDH23):c.2512G>A (p.Ala838Thr)

Gene: CDH23 (cadherin related 23; plus strand). Cytogenetic location: 10q22.1.
Variant type: single nucleotide variant.
Coding change: c.2512G>A on transcript NM_022124.6 (MANE Select); coding-DNA position 2512, G replaced by A.
Protein change: p.Ala838Thr; replaces alanine 838 with threonine.
Molecular consequence: missense variant.
Genome position (GRCh38, 1-based): chr10:71,702,136, G>A. VCF-style: chr10-71702136-G-A. GRCh37 (hg19) VCF-style: chr10-73461893-G-A.
Other names: c.2512G>A, p.Ala838Thr (NM_001171930.2, NM_001171931.2); c.2512G>A (NM_022124.5); short protein forms A838T.
Identifiers: ClinVar variation 1436329 (VCV001436329.6), dbSNP rs755280494, ClinGen allele CA209452032.